The following is an entry in ClinVar:

ClinVar aggregate classification (germline): Uncertain significance (1 of 4 stars; one submission).

Submission:

CeGaT Center for Human Genetics Tuebingen
Classification: Uncertain significance. Last evaluated: 2025-11-01. Review status: criteria provided, single submitter. Criteria: CeGaT Center For Human Genetics Tuebingen Variant Classification Criteria Version 2. Collection method: clinical testing. Allele origin: germline. Affected: yes. Observed: 1 variant allele.
Comment: PANK2: PM2

NM_001386393.1(PANK2):c.865G>A (p.Val289Ile)

Gene: PANK2 (pantothenate kinase 2; plus strand). Cytogenetic location: 20p13.
Variant type: single nucleotide variant.
Coding change: c.865G>A on transcript NM_001386393.1 (MANE Select); coding-DNA position 865, G replaced by A.
Protein change: p.Val289Ile; replaces valine 289 with isoleucine.
Molecular consequence: missense variant. On other transcripts: 5 prime UTR variant (1), non-coding transcript variant (1).
Genome position (GRCh38, 1-based): chr20:3,910,790, G>A. VCF-style: chr20-3910790-G-A. GRCh37 (hg19) VCF-style: chr20-3891437-G-A.
Other names: c.322G>A, p.Val108Ile (NM_001324191.2, NM_024960.6, NM_153640.4); c.-114G>A (NM_001324193.2); c.1195G>A, p.Val399Ile (NM_153638.4); short protein forms V108I, V289I, V399I.
Identifiers: ClinVar variation 4533815 (VCV004533815.6).